The following is an entry in ClinVar:

ClinVar aggregate classification (germline): Pathogenic. Review status: criteria provided, multiple submitters, no conflicts (2 of 4 stars). 2 submissions from 2 submitters: Pathogenic (2). Last evaluated 2023-12-01.

Conditions:
Treacher Collins syndrome 1 (TCS1). Also called: TCOF1-Related Treacher Collins Syndrome. Identifiers: Orphanet 861, MedGen CN315775, MONDO:0007944, OMIM 154500.

Submissions (2):

CeGaT Center for Human Genetics Tuebingen
Classification: Pathogenic. Last evaluated: 2023-12-01. Review status: criteria provided, single submitter. Criteria: CeGaT Center For Human Genetics Tuebingen Variant Classification Criteria Version 2. Collection method: clinical testing. Allele origin: germline. Affected: yes. Observed: 1 variant allele.
Comment: TCOF1: PVS1, PM2

New York Genome Center
Classification: Pathogenic for Treacher Collins syndrome 1. Last evaluated: 2022-07-11. Review status: criteria provided, single submitter. Criteria: NYGC Assertion Criteria 2020. Collection method: clinical testing. Allele origin: de novo. Affected: yes. Observed: 1 heterozygote. Study: PrenatalSEQ.
Comment: The de novo frameshift variant c.1017dup has not previously been reported in the literature or public variant repositories (ClinVar and LOVD) and is absent from population databases (gnomAD v2.1.1 and v3.1.2, TOPMed Freeze 8), suggesting it is not a common benign variant in the populations represented in those databases. The c.1017dup variant is located in exon 8 of this 27-exon gene, predicted to incorporate a premature termination codon (p.(Glu340ArgfsTer9)), and is expected to result in loss-of-function via nonsense-mediated decay. Multiple loss-of-function variants that are downstream to the c.1017dup variant have been reported in the literature [PMID: 25790162] in individuals with Treacher Collins syndrome. A frameshift variant c.1021_1022del, (p.(Ser341GlnfsTer7)) three base pair downstream of the c.1017dup predicted to incorporate a termination codon at the same position has been reported as de novo or inherited from affected parents in multiple individuals with Treacher Collins syndrome with variable expressivity [PMID: 25790162, 22729243, 12444270]. Based on available evidence this de novo frameshift variant c.1017dup, (p.(Glu340ArgfsTer9)) identified in the TCOF1 gene is classified as Pathogenic.

NM_001371623.1(TCOF1):c.1017dup (p.Glu340fs)

Gene: TCOF1 (treacle ribosome biogenesis factor 1; plus strand). Cytogenetic location: 5q32.
Variant type: Duplication.
Coding change: c.1017dup on transcript NM_001371623.1 (MANE Select); coding-DNA position 1017, one base duplicated (A; older notation c.1017dupA).
Protein change: p.Glu340fs; shifts the reading frame from glutamic acid 340.
Molecular consequence: frameshift variant.
Genome position (GRCh38, 1-based): chr5:150,374,320, A duplicated. VCF-style (leftmost placement, unchanged base first): chr5-150374319-C-CA. GRCh37 (hg19) VCF-style: chr5-149753882-C-CA.
Other names: c.1017dup, p.Glu340fs (NM_001135243.2, NM_001135244.2, NM_001195141.2 and 1 more transcripts); c.786dup, p.Glu263fs (NM_001135245.2, NM_000356.4); c.1017dup (NM_001135243.1); short protein forms E263fs, E340fs.
Identifiers: ClinVar variation 3026901 (VCV003026901.23), dbSNP rs2533364557, ClinGen allele CA2740094142.
Genomic context (GRCh38, chr5:150,374,319, plus strand): 5'-CCCCTGGGAAGGCAGGGGCTGTAGCCTCCCAGACCAAGGCAGGGAAGCCAGAGGAGGACT[C>CA]AGAGAGCAGCAGCGAGGAGTCATCTGACAGTGAGGAGGAGACGCCAGCTGCCAAGGCCCT-3'